The following is an entry in ClinVar:

NM_001348041.4(BBS9):c.2667C>A (p.Thr889=)

Gene: BBS9 (Bardet-Biedl syndrome 9; plus strand). Cytogenetic location: 7p14.3.
Variant type: single nucleotide variant.
Coding change: c.2667C>A on transcript NM_001348041.4; coding-DNA position 2667, C replaced by A.
Protein change: p.Thr889=; no amino-acid change (threonine 889 retained).
Molecular consequence: synonymous variant.
Genome position (GRCh38, 1-based): chr7:33,635,211, C>A. VCF-style: chr7-33635211-C-A. GRCh37 (hg19) VCF-style: chr7-33674823-C-A.
Other names: c.2556C>A, p.Thr852= (NM_001362679.1).
Identifiers: ClinVar variation 3046115 (VCV003046115.2), dbSNP rs1866086839, ClinGen allele CA1698852470.

ClinVar aggregate classification (germline): Likely benign (0 of 4 stars; one submission).

Conditions:
BBS9-related disorder. Also called: BBS9-related condition.

Allele frequency attached by ClinVar (database versions not stated): TOPMed 0.00001.

Submission:

PreventionGenetics, part of Exact Sciences
Classification: Likely benign for BBS9-related condition. Last evaluated: 2019-11-01. Review status: no assertion criteria provided. Collection method: clinical testing. Allele origin: germline.
Comment: This variant is classified as likely benign based on ACMG/AMP sequence variant interpretation guidelines (Richards et al. 2015 PMID: 25741868, with internal and published modifications).